The following is an entry in ClinVar:

NM_003072.5(SMARCA4):c.4768+16G>T

Gene: SMARCA4 (SWI/SNF related BAF chromatin remodeling complex subunit ATPase 4; plus strand). Cytogenetic location: 19p13.2.
Variant type: single nucleotide variant.
Coding change: c.4768+16G>T on transcript NM_003072.5 (MANE Select); 16 bases into the intron after coding-DNA position 4768, G replaced by T.
Molecular consequence: intron variant.
Genome position (GRCh38, 1-based): chr19:11,059,901, G>T. VCF-style: chr19-11059901-G-T. GRCh37 (hg19) VCF-style: chr19-11170577-G-T.
Other names: c.4768+16G>T (NM_001128844.3); c.4864+16G>T (NM_001128849.3, NM_001387283.1); c.4669+16G>T (NM_001128847.4, NM_001374457.1); c.4678+16G>T (NM_001128845.2); c.4675+16G>T (NM_001128846.2); c.4666+16G>T (NM_001128848.2).
Identifiers: ClinVar variation 380707 (VCV000380707.9), dbSNP rs151265814, ClinGen allele CA9204850.

ClinVar aggregate classification (germline): Benign/Likely benign. Review status: criteria provided, multiple submitters, no conflicts (2 of 4 stars). 2 submissions from 2 submitters: Benign (1); Likely benign (1). Last evaluated 2026-02-04.

Conditions:
Rhabdoid tumor predisposition syndrome 2 (RTPS2). Identifiers: Orphanet 231108, Orphanet 69077, MedGen C2750074, MONDO:0013224, OMIM 613325.

Allele frequency attached by ClinVar (database versions not stated): gnomAD exomes 0.00169; ExAC 0.00220; gnomAD 0.00635 and 0.00684; TOPMed 0.00743; ESP Exome Variant Server 0.00761; 1000 Genomes Project 0.00839; 1000 Genomes Project 30x 0.00906.
gnomAD v4.1: 1,962 of 1,613,754 alleles (0.12%); highest among the groups gnomAD compares: African/African-American, 2.3%; 18 homozygotes.

Submissions (2):

Labcorp Genetics (formerly Invitae), Labcorp
Classification: Benign for Rhabdoid tumor predisposition syndrome 2. Last evaluated: 2026-02-04. Review status: criteria provided, single submitter. Criteria: Invitae Variant Classification Sherloc (09022015). Collection method: clinical testing. Allele origin: germline.

GeneDx
Classification: Likely benign. Last evaluated: 2017-06-28. Review status: criteria provided, single submitter. Criteria: GeneDx Variant Classification (06012015). Collection method: clinical testing. Allele origin: germline. Affected: yes.
Comment: This variant is considered likely benign or benign based on one or more of the following criteria: it is a conservative change, it occurs at a poorly conserved position in the protein, it is predicted to be benign by multiple in silico algorithms, and/or has population frequency not consistent with disease.